The following is an entry in ClinVar:

ClinVar aggregate classification (germline): Pathogenic (1 of 4 stars; one submission).

Conditions:
Familial adenomatous polyposis 1 (FAP1). Also called: POLYPOSIS, ADENOMATOUS INTESTINAL; FAMILIAL ADENOMATOUS POLYPOSIS 1, ATTENUATED. Identifiers: MedGen C2713442, MONDO:0021056, OMIM 175100. Disease mechanism: loss of function.

Submission:

Labcorp Genetics (formerly Invitae), Labcorp
Classification: Pathogenic for Familial adenomatous polyposis 1. Last evaluated: 2023-10-28. Review status: criteria provided, single submitter. Criteria: Invitae Variant Classification Sherloc (09022015). Collection method: clinical testing. Allele origin: unknown.
Comment: This variant is a gross deletion of the genomic region encompassing exon(s) 11-16 of the APC gene, which includes the termination codon. This deletion extends beyond the assayed region for this gene and therefore may encompass additional genes. While this deletion is not anticipated to lead to nonsense mediated decay, it is expected to alter mRNA translation or result in a truncated protein product. This variant has not been reported in the literature in individuals affected with APC-related conditions. This variant is expected to disrupt the EB1 and HDLG binding sites, which mediate interactions with the cytoskeleton (PMID: 15311282, 17293347). While functional studies have not been performed to directly test the effect on APC protein function, this suggests that disruption of the C-terminal portion of the protein is functionally important. A different truncation (p.Tyr2645Lysfs*14) that lies downstream of this variant has been determined to be pathogenic (PMID: 9824584, 1316610, 27081525, 8381579, 22135120, Invitae). This suggests that deletion of this region of the APC protein is causative of disease. For these reasons, this variant has been classified as Pathogenic.

Literature cited by the submitters: PubMed 15311282; PubMed 17293347; PubMed 9824584; PubMed 1316610; PubMed 27081525; PubMed 8381579; PubMed 22135120.

NC_000005.9:g.(?_112157583)_(112179823_?)del

Gene: APC (APC regulator of Wnt signaling pathway; plus strand). Cytogenetic location: 5q22.2.
Variant type: Deletion.
Identifiers: ClinVar variation 3246377 (VCV003246377.1).